The following is an entry in ClinVar:

NM_001242896.3(DEPDC5):c.388C>T (p.Gln130Ter)

Gene: DEPDC5 (DEP domain containing 5, GATOR1 subcomplex subunit; plus strand). Cytogenetic location: 22q12.2.
Variant type: single nucleotide variant.
Coding change: c.388C>T on transcript NM_001242896.3 (MANE Select); coding-DNA position 388, C replaced by T.
Protein change: p.Gln130Ter; replaces glutamine 130 with a stop codon.
Molecular consequence: nonsense. On other transcripts: non-coding transcript variant (5).
Genome position (GRCh38, 1-based): chr22:31,768,838, C>T. VCF-style: chr22-31768838-C-T. GRCh37 (hg19) VCF-style: chr22-32164824-C-T.
Other names: c.388C>T, p.Gln130Ter (NM_001363852.2, NM_001363854.2, NM_001364318.2 and 7 more transcripts); c.304C>T, p.Gln102Ter (NM_001369901.1, NM_001369902.1); short protein forms Q130*, Q102*.
Identifiers: ClinVar variation 620561 (VCV000620561.3), dbSNP rs1569512941, ClinGen allele CA411283310.
Genomic context (GRCh38, chr22:31,768,838, plus strand): 5'-CTCCCTCTCTCTACCCCTCTCTCCCCCTCCTCTTAGGTCAGCACATGTGCCTATATCACC[C>T]AGAAGGTGGAGTTTGCTGGCATCAGGTAGATATTACATCACTCTTGCCTTATCTGTGCAG-3'

ClinVar aggregate classification (germline): Likely pathogenic. Review status: criteria provided, single submitter (1 of 4 stars). 2 submissions from 2 submitters: Likely pathogenic (1). 1 of the submissions does not count toward it. Last evaluated 2021-02-24.

Conditions:
Epilepsy, familial focal, with variable foci 1 (FFEVF1). Also called: DEPDC5-Related Epilepsy. Identifiers: MedGen C4551983, MONDO:0024556, OMIM 604364.

Submissions (2):

GeneDx
Classification: Likely pathogenic. Last evaluated: 2021-02-24. Review status: criteria provided, single submitter. Criteria: GeneDx Variant Classification Process June 2021. Collection method: clinical testing. Allele origin: germline. Affected: yes.
Comment: Nonsense variant predicted to result in protein truncation or nonsense mediated decay in a gene for which loss-of-function is a known mechanism of disease; Not observed in large population cohorts (Lek et al., 2016); Has not been previously published as pathogenic or benign to our knowledge

Clinical Genetics Laboratory, University Hospital Schleswig-Holstein
Classification: Pathogenic for Epilepsy, familial focal, with variable foci 1. Last evaluated: 2024-01-08. Review status: no assertion criteria provided. Collection method: clinical testing. Allele origin: germline. Affected: yes. Not counted in ClinVar's aggregate classification.